The following is an entry in ClinVar:

ClinVar aggregate classification (germline): Likely benign. Review status: criteria provided, multiple submitters, no conflicts (2 of 4 stars). 3 submissions from 3 submitters: Likely benign (3). Last evaluated 2024-05-16.

Conditions:
Hereditary cancer-predisposing syndrome. Also called: Hereditary Cancer Syndrome; Tumor predisposition; Neoplastic Syndromes, Hereditary; Hereditary neoplastic syndrome. Identifiers: Orphanet 140162, MedGen C0027672, MeSH D009386, MONDO:0015356.
Ataxia-telangiectasia syndrome (AT). Also called: Cerebello-oculocutaneous telangiectasia; Immunodeficiency with ataxia telangiectasia; AT, COMPLEMENTATION GROUP C; Ataxia-telangiectasia, complementation group D; LOUIS-BAR SYNDROME; Ataxia-telangiectasia, complementation group E. Identifiers: Orphanet 100, MedGen C0004135, MONDO:0008840, OMIM 208900.

Submissions (3):

Labcorp Genetics (formerly Invitae), Labcorp
Classification: Likely benign for Ataxia-telangiectasia syndrome. Last evaluated: 2024-05-16. Review status: criteria provided, single submitter. Criteria: Invitae Variant Classification Sherloc (09022015). Collection method: clinical testing. Allele origin: germline.

Color Diagnostics, LLC DBA Color Health
Classification: Likely benign for Hereditary cancer-predisposing syndrome. Last evaluated: 2017-11-23. Review status: criteria provided, single submitter. Criteria: ACMG Guidelines, 2015. Collection method: clinical testing. Allele origin: germline.

GeneDx
Classification: Likely benign. Last evaluated: 2017-06-29. Review status: criteria provided, single submitter. Criteria: GeneDx Variant Classification (06012015). Collection method: clinical testing. Allele origin: germline. Affected: yes.
Comment: This variant is considered likely benign or benign based on one or more of the following criteria: it is a conservative change, it occurs at a poorly conserved position in the protein, it is predicted to be benign by multiple in silico algorithms, and/or has population frequency not consistent with disease.

NM_000051.4(ATM):c.3153+18T>G

Gene: ATM (ATM serine/threonine kinase; plus strand). Cytogenetic location: 11q22.3.
Variant type: single nucleotide variant.
Coding change: c.3153+18T>G on transcript NM_000051.4 (MANE Select); 18 bases into the intron after coding-DNA position 3153, T replaced by G.
Molecular consequence: intron variant.
Genome position (GRCh38, 1-based): chr11:108,272,625, T>G. VCF-style: chr11-108272625-T-G. GRCh37 (hg19) VCF-style: chr11-108143352-T-G.
Other names: c.3153+18T>G (NM_001351834.2).
Identifiers: ClinVar variation 510453 (VCV000510453.11), dbSNP rs1555085921, ClinGen allele CA476745038.
Genomic context (GRCh38, chr11:108,272,625, plus strand): 5'-TGTAAGAATGGCCCTAGTAAATTGCCTTAAAACTTTGCTTGAGGTGAGTTTTTGCATTTT[T>G]TTAGTAAGATCTCCATTGAAAATTTTAAAGCAGTCTTTGTTTGTTAATGAGTAATTTTTC-3'